The following is an entry in ClinVar:

ClinVar aggregate classification (germline): Likely benign. Review status: criteria provided, multiple submitters, no conflicts (2 of 4 stars). 3 submissions from 3 submitters: Likely benign (3). Last evaluated 2025-05-02.

Conditions:
Emery-Dreifuss muscular dystrophy 4, autosomal dominant (EDMD4). Also called: EMERY-DREIFUSS MUSCULAR DYSTROPHY 4 WITH VARIABLE FEATURES. Identifiers: Orphanet 261, MedGen C2751807, MONDO:0013071, OMIM 612998.
Autosomal recessive ataxia, Beauce type. Also called: SYNE1 Deficiency; Spinocerebellar ataxia, autosomal recessive 8; SYNE1-Related Autosomal Recessive Cerebellar Ataxia; ATAXIA, RECESSIVE, OF BEAUCE. Identifiers: Orphanet 88644, MedGen C1853116, MONDO:0012549, OMIM 610743.

Allele frequency attached by ClinVar (database versions not stated): TOPMed 0.00001; ExAC 0.00002; gnomAD 0.00001; gnomAD exomes 0.00001.
gnomAD v4.1: 12 of 1,613,896 alleles (0.00074%); highest among the groups gnomAD compares: Middle Eastern, 0.033%; no homozygotes.

Submissions (3):

Mayo Clinic Laboratories, Mayo Clinic
Classification: Likely benign. Last evaluated: 2025-05-02. Review status: criteria provided, single submitter. Criteria: ACMG Guidelines, 2015. Collection method: clinical testing. Allele origin: germline. Observed: 1 variant allele.
Comment: BP4, BP7

Labcorp Genetics (formerly Invitae), Labcorp
Classification: Likely benign for Emery-Dreifuss muscular dystrophy 4, autosomal dominant; Autosomal recessive ataxia, Beauce type. Last evaluated: 2024-03-02. Review status: criteria provided, single submitter. Criteria: Invitae Variant Classification Sherloc (09022015). Collection method: clinical testing. Allele origin: germline.

GeneDx
Classification: Likely benign. Last evaluated: 2017-01-03. Review status: criteria provided, single submitter. Criteria: GeneDx Variant Classification (06012015). Collection method: clinical testing. Allele origin: germline. Affected: yes.
Comment: This variant is considered likely benign or benign based on one or more of the following criteria: it is a conservative change, it occurs at a poorly conserved position in the protein, it is predicted to be benign by multiple in silico algorithms, and/or has population frequency not consistent with disease.

NM_182961.4(SYNE1):c.25246+8C>T

Gene: SYNE1 (spectrin repeat containing nuclear envelope protein 1; minus strand). Cytogenetic location: 6q25.2.
Variant type: single nucleotide variant.
Coding change: c.25246+8C>T on transcript NM_182961.4 (MANE Select); 8 bases into the intron after coding-DNA position 25246, C replaced by T.
Molecular consequence: intron variant.
Genome position (GRCh38, 1-based): chr6:152,141,195, G>A on the plus strand (C>T on the coding strand, the complement: SYNE1 is on the minus strand). VCF-style: chr6-152141195-G-A. GRCh37 (hg19) VCF-style: chr6-152462330-G-A.
Other names: p.?; c.25102+8C>T (NM_033071.5); c.1852+8C>T (NM_001347701.2); c.1780+8C>T (NM_001347702.2).
Identifiers: ClinVar variation 392389 (VCV000392389.4), dbSNP rs760126474, ClinGen allele CA4052889.